The following is an entry in ClinVar:

ClinVar aggregate classification (germline): Uncertain significance. Review status: criteria provided, multiple submitters, no conflicts (2 of 4 stars). 2 submissions from 2 submitters: Uncertain significance (2). Last evaluated 2025-07-22.

Allele frequency attached by ClinVar (database versions not stated): ExAC 0.00001; gnomAD exomes 0.00001; TOPMed 0.00004; gnomAD 0.00005.
gnomAD v4.1: 32 of 1,614,118 alleles (0.002%); highest among the groups gnomAD compares: African/African-American, 0.012%; no homozygotes.

Submissions (2):

Labcorp Genetics (formerly Invitae), Labcorp
Classification: Uncertain significance. Last evaluated: 2025-07-22. Review status: criteria provided, single submitter. Criteria: Invitae Variant Classification Sherloc (09022015). Collection method: clinical testing. Allele origin: germline.
Comment: This sequence change replaces arginine, which is basic and polar, with glutamine, which is neutral and polar, at codon 555 of the RNF31 protein (p.Arg555Gln). This variant is present in population databases (rs775824598, gnomAD 0.008%). This variant has not been reported in the literature in individuals affected with RNF31-related conditions. ClinVar contains an entry for this variant (Variation ID: 1915597). An algorithm developed to predict the effect of missense changes on protein structure and function outputs the following: PolyPhen-2: "Benign". The glutamine amino acid residue is found in multiple mammalian species, which suggests that this missense change does not adversely affect protein function. In summary, the available evidence is currently insufficient to determine the role of this variant in disease. Therefore, it has been classified as a Variant of Uncertain Significance.

Ambry Genetics
Classification: Uncertain significance. Last evaluated: 2025-04-21. Review status: criteria provided, single submitter. Criteria: Ambry Variant Classification Scheme 2023. Collection method: clinical testing. Allele origin: germline.

NM_017999.5(RNF31):c.1664G>A (p.Arg555Gln)

Gene: RNF31 (ring finger protein 31; plus strand). Cytogenetic location: 14q12.
Variant type: single nucleotide variant.
Coding change: c.1664G>A on transcript NM_017999.5 (MANE Select); coding-DNA position 1664, G replaced by A.
Protein change: p.Arg555Gln; replaces arginine 555 with glutamine.
Molecular consequence: missense variant.
Genome position (GRCh38, 1-based): chr14:24,151,306, G>A. VCF-style: chr14-24151306-G-A. GRCh37 (hg19) VCF-style: chr14-24620515-G-A.
Other names: c.1664G>A (NM_017999.4); c.1211G>A, p.Arg404Gln (NM_001310332.2); short protein forms R404Q, R555Q.
Identifiers: ClinVar variation 1915597 (VCV001915597.6), dbSNP rs775824598, ClinGen allele CA7125843.